The following is an entry in ClinVar:

ClinVar aggregate classification (germline): Uncertain significance (1 of 4 stars; one submission).

gnomAD v4.1: 4 of 1,598,478 alleles (0.00025%); highest among the groups gnomAD compares: Admixed American, 0.0035%; no homozygotes.

Submission:

Labcorp Genetics (formerly Invitae), Labcorp
Classification: Uncertain significance. Last evaluated: 2024-08-14. Review status: criteria provided, single submitter. Criteria: Invitae Variant Classification Sherloc (09022015). Collection method: clinical testing. Allele origin: germline.
Comment: This sequence change replaces isoleucine, which is neutral and non-polar, with valine, which is neutral and non-polar, at codon 162 of the ABCC8 protein (p.Ile162Val). The frequency data for this variant in the population databases is considered unreliable, as metrics indicate poor data quality at this position in the gnomAD database. This variant has not been reported in the literature in individuals affected with ABCC8-related conditions. Invitae Evidence Modeling of protein sequence and biophysical properties (such as structural, functional, and spatial information, amino acid conservation, physicochemical variation, residue mobility, and thermodynamic stability) indicates that this missense variant is not expected to disrupt ABCC8 protein function with a negative predictive value of 95%. In summary, the available evidence is currently insufficient to determine the role of this variant in disease. Therefore, it has been classified as a Variant of Uncertain Significance.

NM_000352.6(ABCC8):c.484A>G (p.Ile162Val)

Gene: ABCC8 (ATP binding cassette subfamily C member 8; minus strand). Cytogenetic location: 11p15.1.
Variant type: single nucleotide variant.
Coding change: c.484A>G on transcript NM_000352.6 (MANE Select); coding-DNA position 484, A replaced by G.
Protein change: p.Ile162Val; replaces isoleucine 162 with valine.
Molecular consequence: missense variant. On other transcripts: non-coding transcript variant (1).
Genome position (GRCh38, 1-based): chr11:17,463,533, T>C on the plus strand (A>G on the coding strand, the complement: ABCC8 is on the minus strand). VCF-style: chr11-17463533-T-C. GRCh37 (hg19) VCF-style: chr11-17485080-T-C.
Other names: c.484A>G, p.Ile162Val (NM_001287174.3, NM_001351295.2, NM_001351296.2 and 1 more transcripts); short protein forms I162V.
Identifiers: ClinVar variation 3668107 (VCV003668107.2).